The following is an entry in ClinVar:

ClinVar aggregate classification (germline): Uncertain significance (1 of 4 stars; one submission).

Submission:

Labcorp Genetics (formerly Invitae), Labcorp
Classification: Uncertain significance. Last evaluated: 2023-04-14. Review status: criteria provided, single submitter. Criteria: Invitae Variant Classification Sherloc (09022015). Collection method: clinical testing. Allele origin: germline.
Comment: This sequence change replaces serine, which is neutral and polar, with leucine, which is neutral and non-polar, at codon 955 of the GUCY2C protein (p.Ser955Leu). Information on the frequency of this variant in the gnomAD database is not available, as this variant may be reported differently in the database. This missense change has been observed in individual(s) with meconium ileus (PMID: 31079856). An algorithm developed to predict the effect of missense changes on protein structure and function (PolyPhen-2) suggests that this variant is likely to be disruptive. In summary, the available evidence is currently insufficient to determine the role of this variant in disease. Therefore, it has been classified as a Variant of Uncertain Significance.

Literature cited by the submitters: PubMed 31079856.

NM_004963.4(GUCY2C):c.2864_2865delinsTA (p.Ser955Leu)

Genes: GUCY2C (guanylate cyclase 2C; minus strand), PLBD1-AS1 (PLBD1 antisense RNA 1; plus strand). Cytogenetic location: 12p12.3.
Variant type: Indel.
Coding change: c.2864_2865delinsTA on transcript NM_004963.4 (MANE Select); coding-DNA positions 2864 to 2865, CC replaced by TA.
Protein change: p.Ser955Leu; replaces serine 955 with leucine.
Molecular consequence: missense variant. On other transcripts: non-coding transcript variant (1).
Genome position (GRCh38, 1-based): chr12:14,619,221-14,619,222, GG replaced by TA on the plus strand (CC replaced by TA on the coding strand, the reverse complement: GUCY2C is on the minus strand). VCF-style: chr12-14619221-GG-TA. GRCh37 (hg19) VCF-style: chr12-14772155-GG-TA.
Other names: short protein forms S955L.
Identifiers: ClinVar variation 2907424 (VCV002907424.3), dbSNP rs2497604712, ClinGen allele CA2695216142.